The following is an entry in ClinVar:

ClinVar aggregate classification (germline): Uncertain significance (1 of 4 stars; one submission).

Submission:

Labcorp Genetics (formerly Invitae), Labcorp
Classification: Uncertain significance. Last evaluated: 2024-10-25. Review status: criteria provided, single submitter. Criteria: Invitae Variant Classification Sherloc (09022015). Collection method: clinical testing. Allele origin: germline.
Comment: This sequence change replaces lysine, which is basic and polar, with glutamine, which is neutral and polar, at codon 1079 of the DCHS1 protein (p.Lys1079Gln). This variant is not present in population databases (gnomAD no frequency). This variant has not been reported in the literature in individuals affected with DCHS1-related conditions. Invitae Evidence Modeling of protein sequence and biophysical properties (such as structural, functional, and spatial information, amino acid conservation, physicochemical variation, residue mobility, and thermodynamic stability) has been performed for this missense variant. However, the output from this modeling did not meet the statistical confidence thresholds required to predict the impact of this variant on DCHS1 protein function. In summary, the available evidence is currently insufficient to determine the role of this variant in disease. Therefore, it has been classified as a Variant of Uncertain Significance.

NM_003737.4(DCHS1):c.3235A>C (p.Lys1079Gln)

Gene: DCHS1 (dachsous cadherin-related 1; minus strand). Cytogenetic location: 11p15.4.
Variant type: single nucleotide variant.
Coding change: c.3235A>C on transcript NM_003737.4 (MANE Select); coding-DNA position 3235, A replaced by C.
Protein change: p.Lys1079Gln; replaces lysine 1079 with glutamine.
Molecular consequence: missense variant.
Genome position (GRCh38, 1-based): chr11:6,632,277, T>G on the plus strand (A>C on the coding strand, the complement: DCHS1 is on the minus strand). VCF-style: chr11-6632277-T-G. GRCh37 (hg19) VCF-style: chr11-6653508-T-G.
Other names: short protein forms K1079Q.
Identifiers: ClinVar variation 3697151 (VCV003697151.2).